The following is an entry in ClinVar:

NM_001040108.2(MLH3):c.2602A>G (p.Lys868Glu)

Gene: MLH3 (mutL homolog 3; minus strand). Cytogenetic location: 14q24.3.
Variant type: single nucleotide variant.
Coding change: c.2602A>G on transcript NM_001040108.2 (MANE Select); coding-DNA position 2602, A replaced by G.
Protein change: p.Lys868Glu; replaces lysine 868 with glutamic acid.
Molecular consequence: missense variant.
Genome position (GRCh38, 1-based): chr14:75,047,054, T>C on the plus strand (A>G on the coding strand, the complement: MLH3 is on the minus strand). VCF-style: chr14-75047054-T-C. GRCh37 (hg19) VCF-style: chr14-75513757-T-C.
Other names: c.2602A>G, p.Lys868Glu (NM_014381.3); short protein forms K868E.
Identifiers: ClinVar variation 2845401 (VCV002845401.3), dbSNP rs2503265966, ClinGen allele CA390439599.

ClinVar aggregate classification (germline): Uncertain significance (1 of 4 stars; one submission).

Conditions:
Colorectal cancer, hereditary nonpolyposis, type 7. Identifiers: Orphanet 144, MedGen C1858380, MONDO:0013725, OMIM 614385.

Submission:

Labcorp Genetics (formerly Invitae), Labcorp
Classification: Uncertain significance for Colorectal cancer, hereditary nonpolyposis, type 7. Last evaluated: 2024-03-06. Review status: criteria provided, single submitter. Criteria: Invitae Variant Classification Sherloc (09022015). Collection method: clinical testing. Allele origin: germline.
Comment: This sequence change replaces lysine, which is basic and polar, with glutamic acid, which is acidic and polar, at codon 868 of the MLH3 protein (p.Lys868Glu). This variant is not present in population databases (gnomAD no frequency). This variant has not been reported in the literature in individuals affected with MLH3-related conditions. An algorithm developed to predict the effect of missense changes on protein structure and function (PolyPhen-2) suggests that this variant is likely to be tolerated. In summary, the available evidence is currently insufficient to determine the role of this variant in disease. Therefore, it has been classified as a Variant of Uncertain Significance.